The following is an entry in ClinVar:

NM_000212.3(ITGB3):c.1522del (p.Gln508fs)

Gene: ITGB3 (integrin subunit beta 3; plus strand). Cytogenetic location: 17q21.32.
Variant type: Deletion.
Coding change: c.1522del on transcript NM_000212.3 (MANE Select); coding-DNA position 1522, one base deleted (C; older notation c.1522delC).
Protein change: p.Gln508fs; shifts the reading frame from glutamine 508.
Molecular consequence: frameshift variant.
Genome position (GRCh38, 1-based): chr17:47,292,400, C deleted; the last of 3 consecutive C bases (chr17:47,292,398-47,292,400); deleting any one gives the same sequence. VCF-style (leftmost placement, unchanged base first): chr17-47292397-TC-T. GRCh37 (hg19) VCF-style: chr17-45369763-TC-T.
Other names: short protein forms Q508fs.
Identifiers: ClinVar variation 1210183 (VCV001210183.1), dbSNP rs1399789771, ClinGen allele CA772541579.

ClinVar aggregate classification (germline): Pathogenic (3 of 4 stars; one submission).

Conditions:
Glanzmann thrombasthenia. Also called: BLEEDING DISORDER, PLATELET-TYPE, 2; THROMBASTHENIA OF GLANZMANN AND NAEGELI; PLATELET GLYCOPROTEIN IIb-IIIa DEFICIENCY; Thrombasthenia; Glanzmann's thrombasthenia. Identifiers: Orphanet 849, MedGen C0040015, MONDO:0100326.

Submission:

ClinGen Platelet Disorders Variant Curation Expert Panel, ClinGen
Classification: Pathogenic for Glanzmann thrombasthenia. Last evaluated: 2021-08-17. Review status: reviewed by expert panel. Criteria: ClinGen Platelet ACMG Specifications v2. Collection method: curation. Allele origin: germline. Inheritance: Autosomal recessive inheritance.
Comment: The p.Gln508SerfsTer161 variant on ITGB3 gene is a frameshift variant in exon 10 which is predicted to introduce a premature stop codon 161 amino acids downstream and result in NMD. It is absent from all large population cohorts (gnomAD). This variant has been reported to occur in compound heterozygous state in one proband who meets the PD-VCEP criteria for the GT phenotype (PMID: 25728920). This variant meets GT specific criteria for PVS1, PP4_Strong and PM2_supporting and is therefore classified as Pathogenic.